The following is an entry in ClinVar:

NM_015272.5(RPGRIP1L):c.748C>T (p.Leu250Phe)

Gene: RPGRIP1L (RPGRIP1 like; minus strand). Cytogenetic location: 16q12.2.
Variant type: single nucleotide variant.
Coding change: c.748C>T on transcript NM_015272.5 (MANE Select); coding-DNA position 748, C replaced by T.
Protein change: p.Leu250Phe; replaces leucine 250 with phenylalanine.
Molecular consequence: missense variant.
Genome position (GRCh38, 1-based): chr16:53,686,461, G>A on the plus strand (C>T on the coding strand, the complement: RPGRIP1L is on the minus strand). VCF-style: chr16-53686461-G-A. GRCh37 (hg19) VCF-style: chr16-53720373-G-A.
Other names: c.748C>T, p.Leu250Phe (NM_001127897.4, NM_001308334.3, NM_001330538.2); short protein forms L250F.
Identifiers: ClinVar variation 2631873 (VCV002631873.2), dbSNP rs548877796, ClinGen allele CA8058038.

ClinVar aggregate classification (germline): Uncertain significance. Review status: criteria provided, multiple submitters, no conflicts (2 of 4 stars). 2 submissions from 2 submitters: Uncertain significance (2). Last evaluated 2024-06-17.

Conditions:
Joubert syndrome 7 (JBTS7). Identifiers: Orphanet 220497, MedGen C1969053, MONDO:0012694, OMIM 611560.
Meckel syndrome, type 5 (MKS5). Identifiers: Orphanet 564, MedGen C1969052, MONDO:0012695, OMIM 611561.
COACH syndrome 3. Identifiers: MedGen C5436841, MONDO:0030862, OMIM 619113.
RPGRIP1L-related disorder. Also called: RPGRIP1L-related condition; RPGRIP1L-related disorders. Identifiers: MedGen CN239416.

Allele frequency attached by ClinVar (database versions not stated): gnomAD exomes below 0.00001; ExAC 0.00001; gnomAD 0.00001; TOPMed 0.00001; 1000 Genomes Project 0.00020; 1000 Genomes Project 30x 0.00031.

Submissions (2):

Fulgent Genetics
Classification: Uncertain significance for Joubert syndrome 7; Meckel syndrome, type 5; COACH syndrome 3. Last evaluated: 2024-06-17. Review status: criteria provided, single submitter. Criteria: ACMG Guidelines, 2015. Collection method: clinical testing. Allele origin: germline.

PreventionGenetics, part of Exact Sciences
Classification: Uncertain significance for RPGRIP1L-related condition. Last evaluated: 2022-11-17. Review status: criteria provided, single submitter. Criteria: ACMG Guidelines, 2015. Collection method: clinical testing. Allele origin: germline.
Comment: The RPGRIP1L c.748C>T variant is predicted to result in the amino acid substitution p.Leu250Phe. To our knowledge, this variant has not been reported in the literature. This variant is reported in 0.0062% of alleles in individuals of African descent in gnomAD. At this time, the clinical significance of this variant is uncertain due to the absence of conclusive functional and genetic evidence.